The following is an entry in ClinVar:

NM_016239.4(MYO15A):c.1613G>A (p.Arg538His)

Gene: MYO15A (myosin XVA; plus strand). Cytogenetic location: 17p11.2.
Variant type: single nucleotide variant.
Coding change: c.1613G>A on transcript NM_016239.4 (MANE Select); coding-DNA position 1613, G replaced by A.
Protein change: p.Arg538His; replaces arginine 538 with histidine.
Molecular consequence: missense variant.
Genome position (GRCh38, 1-based): chr17:18,120,413, G>A. VCF-style: chr17-18120413-G-A. GRCh37 (hg19) VCF-style: chr17-18023727-G-A.
Other names: short protein forms R538H.
Identifiers: ClinVar variation 888948 (VCV000888948.13), dbSNP rs552189642, ClinGen allele CA8423135.

ClinVar aggregate classification (germline): Conflicting classifications of pathogenicity. Review status: criteria provided, conflicting classifications (1 of 4 stars). 5 submissions from 5 submitters: Uncertain significance (4); Likely benign (1). Last evaluated 2026-04-01.

Conditions:
Inborn genetic diseases. Identifiers: MedGen C0950123, MeSH D030342.
Autosomal recessive nonsyndromic hearing loss 3. Also called: NEUROSENSORY NONSYNDROMIC RECESSIVE DEAFNESS 3. Identifiers: Orphanet 90636, MedGen C1838263, MONDO:0010860, OMIM 600316.

Allele frequency attached by ClinVar (database versions not stated): TOPMed 0.00008; gnomAD 0.00008 and 0.00009; gnomAD exomes 0.00009 and 0.00007; ExAC 0.00012.
gnomAD v4.1: 116 of 1,603,082 alleles (0.0072%); highest among the groups gnomAD compares: Non-Finnish European, 0.0077%; 1 homozygote.

Submissions (5):

GeneDx
Classification: Uncertain significance. Last evaluated: 2026-04-01. Review status: criteria provided, single submitter. Criteria: GeneDx Variant Classification Process June 2021. Collection method: clinical testing. Allele origin: germline.
Comment: In silico analysis suggests that this missense variant does not alter protein structure/function; Has not been previously published as pathogenic or benign to our knowledge

Ambry Genetics
Classification: Uncertain significance for Inborn genetic diseases. Last evaluated: 2024-12-24. Review status: criteria provided, single submitter. Criteria: Ambry Variant Classification Scheme 2023. Collection method: clinical testing. Allele origin: germline.

Blueprint Genetics
Classification: Uncertain significance. Last evaluated: 2024-11-13. Review status: criteria provided, single submitter. Criteria: ACMG Guidelines, 2015. Collection method: clinical testing. Allele origin: germline.

Labcorp Genetics (formerly Invitae), Labcorp
Classification: Likely benign. Last evaluated: 2024-01-31. Review status: criteria provided, single submitter. Criteria: Invitae Variant Classification Sherloc (09022015). Collection method: clinical testing. Allele origin: germline.

Illumina Laboratory Services, Illumina
Classification: Uncertain significance for Autosomal recessive nonsyndromic hearing loss 3. Last evaluated: 2018-03-16. Review status: criteria provided, single submitter. Criteria: ICSL Variant Classification Criteria 13 December 2019. Collection method: clinical testing. Allele origin: germline.